The following is an entry in ClinVar:

ClinVar aggregate classification (germline): Uncertain significance (1 of 4 stars; one submission).

Conditions:
HYPERHOMOCYSTEINEMIA, THROMBOTIC, CBS-RELATED. Identifiers: MedGen C3150344, OMIM 236200.

Submission:

Labcorp Genetics (formerly Invitae), Labcorp
Classification: Uncertain significance for HYPERHOMOCYSTEINEMIA, THROMBOTIC, CBS-RELATED. Last evaluated: 2021-08-28. Review status: criteria provided, single submitter. Criteria: Invitae Variant Classification Sherloc (09022015). Collection method: clinical testing. Allele origin: germline.
Comment: This sequence change replaces arginine with serine at codon 18 of the CBS protein (p.Arg18Ser). The arginine residue is weakly conserved and there is a moderate physicochemical difference between arginine and serine. This variant is not present in population databases (ExAC no frequency). This variant has not been reported in the literature in individuals affected with CBS-related conditions. Algorithms developed to predict the effect of missense changes on protein structure and function (SIFT, PolyPhen-2, Align-GVGD) all suggest that this variant is likely to be tolerated. Algorithms developed to predict the effect of sequence changes on RNA splicing suggest that this variant may create or strengthen a splice site. In summary, the available evidence is currently insufficient to determine the role of this variant in disease. Therefore, it has been classified as a Variant of Uncertain Significance.

NM_000071.3(CBS):c.52C>A (p.Arg18Ser)

Gene: CBS (cystathionine beta-synthase; minus strand). Cytogenetic location: 21q22.3.
Variant type: single nucleotide variant.
Coding change: c.52C>A on transcript NM_000071.3 (MANE Select); coding-DNA position 52, C replaced by A.
Protein change: p.Arg18Ser; replaces arginine 18 with serine.
Molecular consequence: missense variant.
Genome position (GRCh38, 1-based): chr21:43,072,142, G>T on the plus strand (C>A on the coding strand, the complement: CBS is on the minus strand). VCF-style: chr21-43072142-G-T. GRCh37 (hg19) VCF-style: chr21-44492252-G-T.
Other names: c.52C>A, p.Arg18Ser (NM_001178008.3, NM_001178009.3, NM_001320298.2); short protein forms R18S.
Identifiers: ClinVar variation 947692 (VCV000947692.8), dbSNP rs201827340, ClinGen allele CA321104102.